The following is an entry in ClinVar:

NM_000465.4(BARD1):c.2002-1G>T

Gene: BARD1 (BRCA1 associated RING domain 1; minus strand). Cytogenetic location: 2q35.
Variant type: single nucleotide variant.
Coding change: c.2002-1G>T on transcript NM_000465.4 (MANE Select); the canonical splice acceptor site of the intron before coding-DNA position 2002, G replaced by T.
Molecular consequence: splice acceptor variant.
Genome position (GRCh38, 1-based): chr2:214,729,009, C>A on the plus strand (G>T on the coding strand, the complement: BARD1 is on the minus strand). VCF-style: chr2-214729009-C-A. GRCh37 (hg19) VCF-style: chr2-215593733-C-A.
Other names: c.592-1G>T (NM_001282548.2); c.1945-1G>T (NM_001282543.2); c.649-1G>T (NM_001282545.2); c.463-1G>T (NM_001282549.2).
Identifiers: ClinVar variation 2584108 (VCV002584108.3), dbSNP rs762601855, ClinGen allele CA350450832.

ClinVar aggregate classification (germline): Conflicting classifications of pathogenicity. Review status: criteria provided, conflicting classifications (1 of 4 stars). 2 submissions from 2 submitters: Likely pathogenic (1); Uncertain significance (1). Last evaluated 2026-04-14.

Conditions:
Hereditary breast ovarian cancer syndrome. Also called: Hereditary breast and ovarian cancer syndrome; Hereditary breast and ovarian cancer; Hereditary breast and ovarian cancer syndrome (HBOC); Breast and ovarian cancer; Hereditary breast and/or ovarian cancer syndrome; BRCA1- and BRCA2-Associated Hereditary Breast and Ovarian Cancer. Identifiers: Orphanet 145, MedGen C0677776, MeSH D061325, MONDO:0003582. Disease mechanism: loss of function.
Familial cancer of breast. Also called: BREAST CANCER, FAMILIAL; Hereditary breast cancer; hereditary breast carcinoma. Identifiers: Orphanet 227535, MedGen C0346153, MONDO:0016419, OMIM 114480. Disease mechanism: loss of function.

Submissions (2):

German Consortium for Hereditary Breast and Ovarian Cancer, University Hospital Cologne
Classification: Uncertain significance for Hereditary breast ovarian cancer syndrome. Last evaluated: 2026-04-14. Review status: criteria provided, single submitter. Criteria: ACMG SVI. Collection method: curation. Allele origin: germline.
Comment: This classification follows the ACMG SVI adaptation classification scheme; We chose these criteria: PVS1 (strong pathogenic): Exon skipping or use of a cryptic splice site preserves reading frame --> Truncated / altered region is critical to protein function (BRTC-domain) --> PVS1_STR, PM2 (supporting pathogenic): absent from gnomAD v2/3/4

Myriad Genetics, Inc.
Classification: Likely pathogenic for Familial cancer of breast. Last evaluated: 2023-05-25. Review status: criteria provided, single submitter. Criteria: Myriad Autosomal Dominant, Autosomal Recessive and X-Linked Classification Criteria (2023). Collection method: clinical testing. Allele origin: unknown.
Comment: This variant is considered likely pathogenic. This variant occurs within a consensus splice junction and is predicted to result in abnormal mRNA splicing of either an out-of-frame exon or an in-frame exon necessary for protein stability and/or normal function.